The following is an entry in ClinVar:

ClinVar aggregate classification (germline): Benign. Review status: criteria provided, multiple submitters, no conflicts (2 of 4 stars). 3 submissions from 3 submitters: Benign (2). 1 of the submissions does not count toward it. Last evaluated 2021-05-04.

Conditions:
DNAH17-related disorder. Also called: DNAH17-related condition.

Allele frequency attached by ClinVar (database versions not stated): 1000 Genomes Project 0.06330; 1000 Genomes Project 30x 0.06387; gnomAD 0.06921 and 0.07010; ESP Exome Variant Server 0.07996; ExAC 0.08299.
gnomAD v4.1: 140,911 of 1,610,458 alleles (8.7%); highest among the groups gnomAD compares: South Asian, 14%; 6,967 homozygotes.

Submissions (3):

GeneDx
Classification: Benign. Last evaluated: 2021-05-04. Review status: criteria provided, single submitter. Criteria: GeneDx Variant Classification Process June 2021. Collection method: clinical testing. Allele origin: germline. Affected: yes.

Breakthrough Genomics
Classification: Benign. Review status: criteria provided, single submitter. Criteria: ACMG Guidelines, 2015. Collection method: not provided. Allele origin: germline. Inheritance: Autosomal recessive inheritance. Affected: yes.

PreventionGenetics, part of Exact Sciences
Classification: Benign for DNAH17-related condition. Last evaluated: 2019-11-26. Review status: no assertion criteria provided. Collection method: clinical testing. Allele origin: germline. Not counted in ClinVar's aggregate classification.
Comment: This variant is classified as benign based on ACMG/AMP sequence variant interpretation guidelines (Richards et al. 2015 PMID: 25741868, with internal and published modifications).

NM_173628.4(DNAH17):c.3660C>T (p.Arg1220=)

Gene: DNAH17 (dynein axonemal heavy chain 17; minus strand). Cytogenetic location: 17q25.3.
Variant type: single nucleotide variant.
Coding change: c.3660C>T on transcript NM_173628.4 (MANE Select); coding-DNA position 3660, C replaced by T.
Protein change: p.Arg1220=; no amino-acid change (arginine 1220 retained).
Molecular consequence: synonymous variant.
Genome position (GRCh38, 1-based): chr17:78,526,702, G>A on the plus strand (C>T on the coding strand, the complement: DNAH17 is on the minus strand). VCF-style: chr17-78526702-G-A. GRCh37 (hg19) VCF-style: chr17-76522784-G-A.
Identifiers: ClinVar variation 1273539 (VCV001273539.4), dbSNP rs61744545, ClinGen allele CA8804105.